The following is an entry in ClinVar:

NM_006766.5(KAT6A):c.5339A>G (p.Tyr1780Cys)

Gene: KAT6A (lysine acetyltransferase 6A; minus strand). Cytogenetic location: 8p11.21.
Variant type: single nucleotide variant.
Coding change: c.5339A>G on transcript NM_006766.5 (MANE Select); coding-DNA position 5339, A replaced by G.
Protein change: p.Tyr1780Cys; replaces tyrosine 1780 with cysteine.
Molecular consequence: missense variant.
Genome position (GRCh38, 1-based): chr8:41,932,881, T>C on the plus strand (A>G on the coding strand, the complement: KAT6A is on the minus strand). VCF-style: chr8-41932881-T-C. GRCh37 (hg19) VCF-style: chr8-41790399-T-C.
Other names: short protein forms Y1780C.
Identifiers: ClinVar variation 1219823 (VCV001219823.32), dbSNP rs61753681, ClinGen allele CA4729320.

ClinVar aggregate classification (germline): Conflicting classifications of pathogenicity. Review status: criteria provided, conflicting classifications (1 of 4 stars). 3 submissions from 3 submitters: Uncertain significance (2); Likely benign (1). Last evaluated 2025-07-16.

Allele frequency attached by ClinVar (database versions not stated): ExAC 0.00002; gnomAD exomes 0.00002 and 0.00004; gnomAD 0.00003; TOPMed 0.00003.
gnomAD v4.1: 63 of 1,613,866 alleles (0.0039%); highest among the groups gnomAD compares: Non-Finnish European, 0.0052%; no homozygotes.

Submissions (3):

Labcorp Genetics (formerly Invitae), Labcorp
Classification: Likely benign. Last evaluated: 2025-07-16. Review status: criteria provided, single submitter. Criteria: Invitae Variant Classification Sherloc (09022015). Collection method: clinical testing. Allele origin: germline.

CeGaT Center for Human Genetics Tuebingen
Classification: Uncertain significance. Last evaluated: 2023-03-01. Review status: criteria provided, single submitter. Criteria: CeGaT Center For Human Genetics Tuebingen Variant Classification Criteria Version 2. Collection method: clinical testing. Allele origin: germline. Affected: yes. Observed: 1 variant allele.

GeneDx
Classification: Uncertain significance. Last evaluated: 2019-06-11. Review status: criteria provided, single submitter. Criteria: GeneDx Variant Classification Process June 2021. Collection method: clinical testing. Allele origin: germline. Affected: yes.
Comment: In silico analysis, which includes protein predictors and evolutionary conservation, supports a deleterious effect; Has not been previously published as pathogenic or benign to our knowledge